The following is an entry in ClinVar:

NM_000257.4(MYH7):c.3341G>C (p.Arg1114Pro)

Gene: MYH7 (myosin heavy chain 7; minus strand). Cytogenetic location: 14q11.2.
Variant type: single nucleotide variant.
Coding change: c.3341G>C on transcript NM_000257.4 (MANE Select); coding-DNA position 3341, G replaced by C.
Protein change: p.Arg1114Pro; replaces arginine 1114 with proline.
Molecular consequence: missense variant.
Genome position (GRCh38, 1-based): chr14:23,420,230, C>G on the plus strand (G>C on the coding strand, the complement: MYH7 is on the minus strand). VCF-style: chr14-23420230-C-G. GRCh37 (hg19) VCF-style: chr14-23889439-C-G.
Other names: short protein forms R1114P.
Identifiers: ClinVar variation 1025672 (VCV001025672.8), dbSNP rs730880773, ClinGen allele CA389044212.

ClinVar aggregate classification (germline): Uncertain significance (1 of 4 stars; one submission).

Conditions:
Hypertrophic cardiomyopathy. Also called: HYPERTROPHIC MYOCARDIOPATHY. Identifiers: Orphanet 217569, MedGen C0007194, MeSH D002312, MONDO:0005045, HP:0001639.

Allele frequency attached by ClinVar (database versions not stated): TOPMed 0.00001.
gnomAD v4.1: 1 of 1,609,246 alleles (0.000062%); highest among the groups gnomAD compares: Non-Finnish European, 0.000085%; no homozygotes.

Submission:

Labcorp Genetics (formerly Invitae), Labcorp
Classification: Uncertain significance for Hypertrophic cardiomyopathy. Last evaluated: 2020-03-01. Review status: criteria provided, single submitter. Criteria: Invitae Variant Classification Sherloc (09022015). Collection method: clinical testing. Allele origin: germline.
Comment: In summary, the available evidence is currently insufficient to determine the role of this variant in disease. Therefore, it has been classified as a Variant of Uncertain Significance. Algorithms developed to predict the effect of missense changes on protein structure and function are either unavailable or do not agree on the potential impact of this missense change (SIFT: "Deleterious"; PolyPhen-2: "Probably Damaging"; Align-GVGD: "Class C0"). This variant has not been reported in the literature in individuals with MYH7-related conditions. This variant is not present in population databases (ExAC no frequency). This sequence change replaces arginine with proline at codon 1114 of the MYH7 protein (p.Arg1114Pro). The arginine residue is highly conserved and there is a moderate physicochemical difference between arginine and proline.